The following is an entry in ClinVar:

ClinVar aggregate classification (germline): Uncertain significance (1 of 4 stars; one submission).

Conditions:
Agammaglobulinemia 4, autosomal recessive (AGM4). Also called: B cell linker protein deficiency; AGAMMAGLOBULINEMIA, AUTOSOMAL RECESSIVE, DUE TO BLNK DEFECT. Identifiers: MedGen C3150752, MONDO:0013289, OMIM 613502.

gnomAD v4.1: 1 of 1,613,772 alleles (0.000062%); highest among the groups gnomAD compares: Non-Finnish European, 0.000085%; no homozygotes.

Submission:

Labcorp Genetics (formerly Invitae), Labcorp
Classification: Uncertain significance for Agammaglobulinemia 4, autosomal recessive. Last evaluated: 2021-09-06. Review status: criteria provided, single submitter. Criteria: Invitae Variant Classification Sherloc (09022015). Collection method: clinical testing. Allele origin: germline.
Comment: This variant has not been reported in the literature in individuals affected with BLNK-related conditions. This variant is not present in population databases (ExAC no frequency). This sequence change replaces tyrosine with histidine at codon 451 of the BLNK protein (p.Tyr451His). The tyrosine residue is moderately conserved and there is a moderate physicochemical difference between tyrosine and histidine. Algorithms developed to predict the effect of missense changes on protein structure and function are either unavailable or do not agree on the potential impact of this missense change (SIFT: "Tolerated"; PolyPhen-2: "Probably Damaging"; Align-GVGD: "Class C0"). In summary, the available evidence is currently insufficient to determine the role of this variant in disease. Therefore, it has been classified as a Variant of Uncertain Significance.

NM_013314.4(BLNK):c.1351T>C (p.Tyr451His)

Genes: BLNK (B cell linker; minus strand), ZNF518A (zinc finger protein 518A; plus strand). Cytogenetic location: 10q24.1.
Variant type: single nucleotide variant.
Coding change: c.1351T>C on transcript NM_013314.4 (MANE Select); coding-DNA position 1351, T replaced by C.
Protein change: p.Tyr451His; replaces tyrosine 451 with histidine.
Molecular consequence: missense variant. On other transcripts: non-coding transcript variant (4).
Genome position (GRCh38, 1-based): chr10:96,191,993, A>G on the plus strand (T>C on the coding strand, the complement: BLNK is on the minus strand). VCF-style: chr10-96191993-A-G. GRCh37 (hg19) VCF-style: chr10-97951749-A-G.
Other names: c.1282T>C, p.Tyr428His (NM_001114094.2); c.1195T>C, p.Tyr399His (NM_001258440.2); c.1126T>C, p.Tyr376His (NM_001258441.2); c.880T>C, p.Tyr294His (NM_001258442.2); short protein forms Y376H, Y451H, Y294H, Y399H, Y428H.
Identifiers: ClinVar variation 1426025 (VCV001426025.6), dbSNP rs782547336, ClinGen allele CA377714951.
Genomic context (GRCh38, chr10:96,191,993, plus strand): 5'-AAGTGTCTGAAGCAATGGTATTGATCTTTTTTTTCCCCCTTTATGAAACTTTAACTGCAT[A>G]CTTCAGTCTGGTGGAATCTTTTGTGTTATTCTGACTGTCAATAAGAACCAAAGGACTATG-3'
Protein context (NP_037446.1, residues 441-456): NNTKDSTRLK[Tyr451His]AVKVS